The following is an entry in ClinVar:

NM_001385012.1(NBEA):c.5851T>C (p.Ser1951Pro)

Gene: NBEA (neurobeachin; plus strand). Cytogenetic location: 13q13.3.
Variant type: single nucleotide variant.
Coding change: c.5851T>C on transcript NM_001385012.1 (MANE Select); coding-DNA position 5851, T replaced by C.
Protein change: p.Ser1951Pro; replaces serine 1951 with proline.
Molecular consequence: missense variant.
Genome position (GRCh38, 1-based): chr13:35,309,540, T>C. VCF-style: chr13-35309540-T-C. GRCh37 (hg19) VCF-style: chr13-35883677-T-C.
Other names: c.5842T>C, p.Ser1948Pro (NM_001379245.1); c.5851T>C, p.Ser1951Pro (NM_015678.5); short protein forms S1948P, S1951P.
Identifiers: ClinVar variation 3371894 (VCV003371894.2).

ClinVar aggregate classification (germline): Uncertain significance (1 of 4 stars; one submission).

Submission:

GeneDx
Classification: Uncertain significance. Last evaluated: 2025-02-05. Review status: criteria provided, single submitter. Criteria: GeneDx Variant Classification Process June 2021. Collection method: clinical testing. Allele origin: germline. Affected: yes.
Comment: Not observed at significant frequency in large population cohorts (gnomAD); In silico analysis supports that this missense variant has a deleterious effect on protein structure/function; Has not been previously published as pathogenic or benign to our knowledge